The following is an entry in ClinVar:

ClinVar aggregate classification (germline): Benign/Likely benign. Review status: criteria provided, multiple submitters, no conflicts (2 of 4 stars). 6 submissions from 6 submitters: Benign (4); Likely benign (1). 1 of the submissions does not count toward it. Last evaluated 2026-02-04.

Conditions:
Joubert syndrome 3 (JBTS3). Also called: AHI1-related Ciliopathy. Identifiers: Orphanet 220493, MedGen C1837713, MONDO:0012078, OMIM 608629.
Joubert syndrome. Also called: CEREBELLOPARENCHYMAL DISORDER IV; Familial aplasia of the vermis; JOUBERT-BOLTSHAUSER SYNDROME. Identifiers: Orphanet 475, MedGen C5979921, MONDO:0018772.

Allele frequency attached by ClinVar (database versions not stated): gnomAD 0.01001 and 0.01078; ESP Exome Variant Server 0.01040; 1000 Genomes Project 0.01078; 1000 Genomes Project 30x 0.01140; TOPMed 0.01177.
gnomAD v4.1: 3,088 of 1,610,956 alleles (0.19%); highest among the groups gnomAD compares: African/African-American, 3.5%; 39 homozygotes.

Submissions (6):

Labcorp Genetics (formerly Invitae), Labcorp
Classification: Benign for Joubert syndrome. Last evaluated: 2026-02-04. Review status: criteria provided, single submitter. Criteria: Invitae Variant Classification Sherloc (09022015). Collection method: clinical testing. Allele origin: germline.

Mayo Clinic Laboratories, Mayo Clinic
Classification: Likely benign. Last evaluated: 2025-09-18. Review status: criteria provided, single submitter. Criteria: ACMG Guidelines, 2015. Collection method: clinical testing. Allele origin: germline. Observed: 3 variant alleles.
Comment: BS1, BP4, BP7

Illumina Laboratory Services, Illumina
Classification: Benign for Joubert syndrome 3. Last evaluated: 2018-01-12. Review status: criteria provided, single submitter. Criteria: ICSL Variant Classification Criteria 13 December 2019. Collection method: clinical testing. Allele origin: germline.
Comment: This variant was observed in the ICSL laboratory as part of a predisposition screen in an ostensibly healthy population. It had not been previously curated by ICSL or reported in the Human Gene Mutation Database (HGMD: prior to June 1st, 2018), and was therefore a candidate for classification through an automated scoring system. Utilizing variant allele frequency, disease prevalence and penetrance estimates, and inheritance mode, an automated score was calculated to assess if this variant is too frequent to cause the disease. Based on the score and internal cut-off values, a variant classified as benign is not then subjected to further curation. The score for this variant resulted in a classification of benign for this disease.

GeneDx
Classification: Benign. Last evaluated: 2015-04-09. Review status: criteria provided, single submitter. Criteria: GeneDx Variant Classification (06012015). Collection method: clinical testing. Allele origin: germline. Affected: yes.
Comment: This variant is considered likely benign or benign based on one or more of the following criteria: it is a conservative change, it occurs at a poorly conserved position in the protein, it is predicted to be benign by multiple in silico algorithms, and/or has population frequency not consistent with disease.

PreventionGenetics, part of Exact Sciences
Classification: Benign. Review status: criteria provided, single submitter. Criteria: ACMG Guidelines, 2015. Collection method: clinical testing. Allele origin: germline.

Genetic Services Laboratory, University of Chicago
Classification: Likely benign for AllHighlyPenetrant. Review status: no assertion criteria provided. Collection method: clinical testing. Allele origin: germline. Inheritance: Autosomal recessive inheritance. Not counted in ClinVar's aggregate classification.
Comment: Likely benign based on allele frequency in 1000 Genomes Project or ESP global frequency and its presence in a patient with a rare or unrelated disease phenotype. NOT Sanger confirmed.

NM_001134831.2(AHI1):c.804A>C (p.Ser268=)

Gene: AHI1 (Abelson helper integration site 1; minus strand). Cytogenetic location: 6q23.3.
Variant type: single nucleotide variant.
Coding change: c.804A>C on transcript NM_001134831.2 (MANE Select); coding-DNA position 804, A replaced by C.
Protein change: p.Ser268=; no amino-acid change (serine 268 retained).
Molecular consequence: synonymous variant.
Genome position (GRCh38, 1-based): chr6:135,463,252, T>G on the plus strand (A>C on the coding strand, the complement: AHI1 is on the minus strand). VCF-style: chr6-135463252-T-G. GRCh37 (hg19) VCF-style: chr6-135784390-T-G.
Other names: p.Ser268=; c.804A>C, p.Ser268= (NM_001134830.2, NM_001134832.2, NM_001350503.2 and 2 more transcripts).
Identifiers: ClinVar variation 128328 (VCV000128328.22), dbSNP rs35528530, ClinGen allele CA151712.